The following is an entry in ClinVar:

NM_020831.6(MRTFA):c.2318A>G (p.Asn773Ser)

Gene: MRTFA (myocardin related transcription factor A; minus strand). Cytogenetic location: 22q13.1.
Variant type: single nucleotide variant.
Coding change: c.2318A>G on transcript NM_020831.6 (MANE Select); coding-DNA position 2318, A replaced by G.
Protein change: p.Asn773Ser; replaces asparagine 773 with serine.
Molecular consequence: missense variant.
Genome position (GRCh38, 1-based): chr22:40,418,420, T>C on the plus strand (A>G on the coding strand, the complement: MRTFA is on the minus strand). VCF-style: chr22-40418420-T-C. GRCh37 (hg19) VCF-style: chr22-40814424-T-C.
Other names: c.2018A>G, p.Asn673Ser (NM_001282660.2); c.2168A>G, p.Asn723Ser (NM_001282661.3); c.2318A>G, p.Asn773Ser (NM_001282662.3); c.2123A>G, p.Asn708Ser (NM_001318139.2); c.2018A>G (NM_020831.3); short protein forms N673S, N708S, N723S, N773S.
Identifiers: ClinVar variation 1682968 (VCV001682968.9), dbSNP rs556324372, ClinGen allele CA10249372.

ClinVar aggregate classification (germline): Uncertain significance. Review status: criteria provided, multiple submitters, no conflicts (2 of 4 stars). 2 submissions from 2 submitters: Uncertain significance (2). Last evaluated 2025-11-09.

Allele frequency attached by ClinVar (database versions not stated): gnomAD 0.00001 and 0.00002; gnomAD exomes 0.00001 and 0.00003; TOPMed 0.00002; 1000 Genomes Project 0.00040; ExAC 0.00004; 1000 Genomes Project 30x 0.00031.
gnomAD v4.1: 18 of 1,614,024 alleles (0.0011%); highest among the groups gnomAD compares: Admixed American, 0.017%; no homozygotes.

Submissions (2):

Labcorp Genetics (formerly Invitae), Labcorp
Classification: Uncertain significance. Last evaluated: 2025-11-09. Review status: criteria provided, single submitter. Criteria: Invitae Variant Classification Sherloc (09022015). Collection method: clinical testing. Allele origin: germline.
Comment: This sequence change replaces asparagine, which is neutral and polar, with serine, which is neutral and polar, at codon 673 of the MKL1 protein (p.Asn673Ser). This variant is present in population databases (rs556324372, gnomAD 0.01%). This variant has not been reported in the literature in individuals affected with MKL1-related conditions. ClinVar contains an entry for this variant (Variation ID: 1682968). An algorithm developed to predict the effect of missense changes on protein structure and function (PolyPhen-2) suggests that this variant is likely to be disruptive. In summary, the available evidence is currently insufficient to determine the role of this variant in disease. Therefore, it has been classified as a Variant of Uncertain Significance.

Ambry Genetics
Classification: Uncertain significance. Last evaluated: 2025-11-03. Review status: criteria provided, single submitter. Criteria: Ambry Variant Classification Scheme 2023. Collection method: clinical testing. Allele origin: germline.